The following is an entry in ClinVar:

NM_003072.5(SMARCA4):c.3818A>G (p.His1273Arg)

Gene: SMARCA4 (SWI/SNF related BAF chromatin remodeling complex subunit ATPase 4; plus strand). Cytogenetic location: 19p13.2.
Variant type: single nucleotide variant.
Coding change: c.3818A>G on transcript NM_003072.5 (MANE Select); coding-DNA position 3818, A replaced by G.
Protein change: p.His1273Arg; replaces histidine 1273 with arginine.
Molecular consequence: missense variant. On other transcripts: intron variant (5).
Genome position (GRCh38, 1-based): chr19:11,033,810, A>G. VCF-style: chr19-11033810-A-G. GRCh37 (hg19) VCF-style: chr19-11144486-A-G.
Other names: c.3818A>G, p.His1273Arg (NM_001128844.3, NM_001128849.3, NM_001387283.1); c.3774+293A>G (NM_001128847.4, NM_001374457.1, NM_001128845.2 and 2 more transcripts); c.3818A>G (NM_001128849.1); short protein forms H1273R.
Identifiers: ClinVar variation 1344908 (VCV001344908.6), dbSNP rs1600393629, ClinGen allele CA404066591.

ClinVar aggregate classification (germline): Conflicting classifications of pathogenicity. Review status: criteria provided, conflicting classifications (1 of 4 stars). 3 submissions from 3 submitters: Likely pathogenic (1); Uncertain significance (2). Last evaluated 2026-04-27.

Conditions:
Intellectual disability, autosomal dominant 16 (CSS4). Also called: COFFIN-SIRIS SYNDROME 4. Identifiers: Orphanet 1465, MedGen C3553249, MONDO:0013821, OMIM 614609.
Rhabdoid tumor predisposition syndrome 2 (RTPS2). Identifiers: Orphanet 231108, Orphanet 69077, MedGen C2750074, MONDO:0013224, OMIM 613325.
Hereditary cancer-predisposing syndrome. Also called: Neoplastic Syndromes, Hereditary; Tumor predisposition; Hereditary Cancer Syndrome; Hereditary neoplastic syndrome. Identifiers: Orphanet 140162, MedGen C0027672, MeSH D009386, MONDO:0015356.

Submissions (3):

Ambry Genetics
Classification: Uncertain significance for Hereditary cancer-predisposing syndrome. Last evaluated: 2026-04-27. Review status: criteria provided, single submitter. Criteria: Ambry Variant Classification Scheme 2023. Collection method: clinical testing. Allele origin: germline.
Comment: The p.H1273R variant (also known as c.3818A>G), located in coding exon 26 of the SMARCA4 gene, results from an A to G substitution at nucleotide position 3818. The histidine at codon 1273 is replaced by arginine, an amino acid with highly similar properties. This amino acid position is highly conserved in available vertebrate species. In addition, the in silico prediction for this alteration is inconclusive. Based on the available evidence, the clinical significance of this variant remains unclear.

Labcorp Genetics (formerly Invitae), Labcorp
Classification: Uncertain significance for Rhabdoid tumor predisposition syndrome 2. Last evaluated: 2025-09-08. Review status: criteria provided, single submitter. Criteria: Invitae Variant Classification Sherloc (09022015). Collection method: clinical testing. Allele origin: germline.
Comment: This sequence change replaces histidine, which is basic and polar, with arginine, which is basic and polar, at codon 1273 of the SMARCA4 protein (p.His1273Arg). This variant is not present in population databases (gnomAD no frequency). This variant has not been reported in the literature in individuals affected with SMARCA4-related conditions. ClinVar contains an entry for this variant (Variation ID: 1344908). An algorithm developed to predict the effect of missense changes on protein structure and function (PolyPhen-2) suggests that this variant is likely to be tolerated. In summary, the available evidence is currently insufficient to determine the role of this variant in disease. Therefore, it has been classified as a Variant of Uncertain Significance.

Institute for Genomic Statistics and Bioinformatics, University Hospital Bonn
Classification: Likely pathogenic for Intellectual disability, autosomal dominant 16. Last evaluated: 2022-03-10. Review status: criteria provided, single submitter. Criteria: ACMG Guidelines, 2015. Collection method: clinical testing. Allele origin: germline. Inheritance: Autosomal dominant inheritance. Affected: yes. Observed: 1 heterozygote.